The following is an entry in ClinVar:

NM_001184880.2(PCDH19):c.2641A>C (p.Asn881His)

Gene: PCDH19 (protocadherin 19; minus strand). Cytogenetic location: Xq22.1.
Variant type: single nucleotide variant.
Coding change: c.2641A>C on transcript NM_001184880.2 (MANE Select); coding-DNA position 2641, A replaced by C.
Protein change: p.Asn881His; replaces asparagine 881 with histidine.
Molecular consequence: missense variant.
Genome position (GRCh38, 1-based): chrX:100,350,680, T>G on the plus strand (A>C on the coding strand, the complement: PCDH19 is on the minus strand). VCF-style: chrX-100350680-T-G. GRCh37 (hg19) VCF-style: chrX-99605678-T-G.
Other names: c.2500A>C, p.Asn834His (NM_001105243.2, NM_020766.3); short protein forms N834H, N881H.
Identifiers: ClinVar variation 1482897 (VCV001482897.12), dbSNP rs373996202, ClinGen allele CA10468741.

ClinVar aggregate classification (germline): Uncertain significance. Review status: criteria provided, multiple submitters, no conflicts (2 of 4 stars). 3 submissions from 3 submitters: Uncertain significance (2). 1 of the submissions does not count toward it. Last evaluated 2022-05-10.

Conditions:
Developmental and epileptic encephalopathy, 9 (DEE9). Also called: EPILEPSY, FEMALE-RESTRICTED, WITH MENTAL RETARDATION; PCDH19-Related X-Linked Female-Limited Epilepsy with Mental Retardation; Early infantile epileptic encephalopathy 9; JUBERG-HELLMAN SYNDROME. Identifiers: Orphanet 101039, Orphanet 2076, MedGen C1848137, MONDO:0010246, OMIM 300088. Disease mechanism: loss of function.

Allele frequency attached by ClinVar (database versions not stated): gnomAD 0.00001; gnomAD exomes 0.00002; ExAC 0.00003.
gnomAD v4.1: 16 of 1,187,405 alleles (0.0013%); highest among the groups gnomAD compares: South Asian, 0.027%; no homozygotes.

Submissions (3):

Revvity Omics, Revvity
Classification: Uncertain significance for Developmental and epileptic encephalopathy, 9. Last evaluated: 2022-05-10. Review status: criteria provided, single submitter. Criteria: ACMG Guidelines, 2015. Collection method: clinical testing. Allele origin: germline.

Labcorp Genetics (formerly Invitae), Labcorp
Classification: Uncertain significance for Developmental and epileptic encephalopathy, 9. Last evaluated: 2021-04-24. Review status: criteria provided, single submitter. Criteria: Invitae Variant Classification Sherloc (09022015). Collection method: clinical testing. Allele origin: germline.
Comment: This sequence change replaces asparagine with histidine at codon 881 of the PCDH19 protein (p.Asn881His). The asparagine residue is highly conserved and there is a small physicochemical difference between asparagine and histidine. This variant is present in population databases (rs373996202, ExAC 0.03%). In summary, the available evidence is currently insufficient to determine the role of this variant in disease. Therefore, it has been classified as a Variant of Uncertain Significance. Algorithms developed to predict the effect of missense changes on protein structure and function are either unavailable or do not agree on the potential impact of this missense change (SIFT: "Deleterious"; PolyPhen-2: "Probably Damaging"; Align-GVGD: "Class C0"). This variant has not been reported in the literature in individuals with PCDH19-related conditions.

Genetics and Genomic Medicine Centre, NeuroGen Healthcare, NeuroGen Healthcare
Classification: Uncertain significance. Last evaluated: 2021-06-16. Review status: no assertion criteria provided. Collection method: clinical testing. Allele origin: unknown. Affected: yes. Not counted in ClinVar's aggregate classification.